The following is an entry in ClinVar:

ClinVar aggregate classification (germline): Conflicting classifications of pathogenicity. Review status: criteria provided, conflicting classifications (1 of 4 stars). 4 submissions from 4 submitters: Uncertain significance (3); Likely benign (1). Last evaluated 2025-03-03.

Conditions:
Hereditary cancer-predisposing syndrome. Also called: Hereditary neoplastic syndrome; Tumor predisposition; Neoplastic Syndromes, Hereditary; Hereditary Cancer Syndrome. Identifiers: Orphanet 140162, MedGen C0027672, MeSH D009386, MONDO:0015356.
Hereditary breast ovarian cancer syndrome. Also called: Hereditary breast and ovarian cancer; Breast and ovarian cancer; BRCA1- and BRCA2-Associated Hereditary Breast and Ovarian Cancer; Hereditary breast and/or ovarian cancer syndrome; Hereditary breast and ovarian cancer syndrome; Hereditary breast and ovarian cancer syndrome (HBOC). Identifiers: Orphanet 145, MedGen C0677776, MeSH D061325, MONDO:0003582. Disease mechanism: loss of function.

Submissions (4):

Color Diagnostics, LLC DBA Color Health
Classification: Uncertain significance for Hereditary cancer-predisposing syndrome. Last evaluated: 2025-03-03. Review status: criteria provided, single submitter. Criteria: ACMG Guidelines, 2015. Collection method: clinical testing. Allele origin: germline.
Comment: This missense variant replaces methionine with isoleucine at codon 794 of the BRCA2 protein. Computational prediction suggests that this variant may not impact protein structure and function (internally defined REVEL score threshold <= 0.5, PMID: 27666373). To our knowledge, functional studies have not been reported for this variant. This variant has not been reported in individuals affected with BRCA2-related disorders in the literature. This variant has not been identified in the general population by the Genome Aggregation Database (gnomAD). The available evidence is insufficient to determine the role of this variant in disease conclusively. Therefore, this variant is classified as a Variant of Uncertain Significance.

Labcorp Genetics (formerly Invitae), Labcorp
Classification: Uncertain significance for Hereditary breast ovarian cancer syndrome. Last evaluated: 2023-10-30. Review status: criteria provided, single submitter. Criteria: Invitae Variant Classification Sherloc (09022015). Collection method: clinical testing. Allele origin: germline.
Comment: This sequence change replaces methionine, which is neutral and non-polar, with isoleucine, which is neutral and non-polar, at codon 794 of the BRCA2 protein (p.Met794Ile). This variant is not present in population databases (gnomAD no frequency). This variant has not been reported in the literature in individuals affected with BRCA2-related conditions. ClinVar contains an entry for this variant (Variation ID: 1506318). Advanced modeling of protein sequence and biophysical properties (such as structural, functional, and spatial information, amino acid conservation, physicochemical variation, residue mobility, and thermodynamic stability) performed at Invitae indicates that this missense variant is not expected to disrupt BRCA2 protein function with a negative predictive value of 95%. In summary, the available evidence is currently insufficient to determine the role of this variant in disease. Therefore, it has been classified as a Variant of Uncertain Significance.

University of Washington Department of Laboratory Medicine, University of Washington
Classification: Likely benign for Hereditary cancer-predisposing syndrome. Last evaluated: 2023-03-23. Review status: criteria provided, single submitter. Criteria: Dines et al. (Genet Med. 2020). Collection method: curation. Allele origin: germline.
Comment: Missense variant in a coldspot region where missense variants are very unlikely to be pathogenic (PMID:31911673).

BRCA2 exon 11 coldspot. Reclassification based on statistical prior probability.

Ambry Genetics
Classification: Uncertain significance for Hereditary cancer-predisposing syndrome. Last evaluated: 2022-11-09. Review status: criteria provided, single submitter. Criteria: Ambry Variant Classification Scheme 2023. Collection method: clinical testing. Allele origin: germline.
Comment: The p.M794I variant (also known as c.2382G>A), located in coding exon 10 of the BRCA2 gene, results from a G to A substitution at nucleotide position 2382. The methionine at codon 794 is replaced by isoleucine, an amino acid with highly similar properties. This amino acid position is not well conserved in available vertebrate species. In addition, this alteration is predicted to be tolerated by in silico analysis. Since supporting evidence is limited at this time, the clinical significance of this alteration remains unclear.

NM_000059.4(BRCA2):c.2382G>A (p.Met794Ile)

Gene: BRCA2 (BRCA2 DNA repair associated; plus strand). Cytogenetic location: 13q13.1.
Variant type: single nucleotide variant.
Coding change: c.2382G>A on transcript NM_000059.4 (MANE Select); coding-DNA position 2382, G replaced by A.
Protein change: p.Met794Ile; replaces methionine 794 with isoleucine.
Molecular consequence: missense variant.
Genome position (GRCh38, 1-based): chr13:32,336,737, G>A. VCF-style: chr13-32336737-G-A. GRCh37 (hg19) VCF-style: chr13-32910874-G-A.
Other names: c.2382G>A (NM_000059.3); short protein forms M794I.
Identifiers: ClinVar variation 1506318 (VCV001506318.12), dbSNP rs1555282646, ClinGen allele CA387771851.
Genomic context (GRCh38, chr13:32,336,737, plus strand): 5'-TTCCAAGGATGTTCTGTCAAACCTAGTCATGATTTCTAGAGGCAAAGAATCATACAAAAT[G>A]TCAGACAAGCTCAAAGGTAACAATTATGAATCTGATGTTGAATTAACCAAAAATATTCCC-3'
Protein context (NP_000050.3, residues 784-804): MISRGKESYK[Met794Ile]SDKLKGNNYE